The following is an entry in ClinVar:

NM_000138.5(FBN1):c.6119G>T (p.Cys2040Phe)

Gene: FBN1 (fibrillin 1; minus strand). Cytogenetic location: 15q21.1.
Variant type: single nucleotide variant.
Coding change: c.6119G>T on transcript NM_000138.5 (MANE Select); coding-DNA position 6119, G replaced by T.
Protein change: p.Cys2040Phe; replaces cysteine 2040 with phenylalanine.
Molecular consequence: missense variant.
Genome position (GRCh38, 1-based): chr15:48,441,765, C>A on the plus strand (G>T on the coding strand, the complement: FBN1 is on the minus strand). VCF-style: chr15-48441765-C-A. GRCh37 (hg19) VCF-style: chr15-48733962-C-A.
Other names: c.6119G>T, p.Cys2040Phe (NM_001406716.1); short protein forms C2040F.
Identifiers: ClinVar variation 1751705 (VCV001751705.2), dbSNP rs397515830, ClinGen allele CA392338163.
Genomic context (GRCh38, chr15:48,441,765, plus strand): 5'-CTTCAAAGACACTTACCTTGGCACCTTCTTCCACTGGAGGACAAGGAAAACCCTTCTGGA[C>A]ACAGACATTTGAAGCTGCCTTCAGTGTTACTGCATGTGCCCAGGGCACAAATTTCTGGCT-3'
Protein context (NP_000129.3, residues 2030-2050): SNTEGSFKCL[Cys2040Phe]PEGFSLSSSG

ClinVar aggregate classification (germline): Likely pathogenic (1 of 4 stars; one submission).

Conditions:
Familial thoracic aortic aneurysm and aortic dissection (TAAD). Also called: Thoracic aortic aneurysms and dissections. Identifiers: Orphanet 91387, MedGen C4707243, MONDO:0019625.

Submission:

Ambry Genetics
Classification: Likely pathogenic for Familial thoracic aortic aneurysm and aortic dissection. Last evaluated: 2021-10-14. Review status: criteria provided, single submitter. Criteria: Ambry Variant Classification Scheme 2023. Collection method: clinical testing. Allele origin: germline.
Comment: The p.C2040F variant (also known as c.6119G>T), located in coding exon 49 of the FBN1 gene, results from a G to T substitution at nucleotide position 6119. The cysteine at codon 2040 is replaced by phenylalanine, an amino acid with highly dissimilar properties, and is located in the cbEGF-like #31 domain. Other alterations affecting the same amino acid, p.C2040R (c.6118T>C) and p.C2040Y (c.6119G>A), have been reported in association with Marfan syndrome (Lerner-Ellis JP et al. Mol Genet Metab, 2014 Jun;112:171-6; Mannucci L et al. Clin Chim Acta, 2020 Feb;501:154-164). In addition, this variant is considered to be rare based on population cohorts in the Genome Aggregation Database (gnomAD). The majority of FBN1 mutations identified to date have involved the substitution or generation of cysteine residues within cbEGF domains (Vollbrandt T et al. J Biol Chem. 2004;279(31):32924-32931). Based on internal structural assessment, this alteration eliminates a structurally critical disulfide bond in the structurally sensitive EGF/cbEGF domain #31. This amino acid position is highly conserved in available vertebrate species. In addition, this alteration is predicted to be deleterious by in silico analysis. Based on the majority of available evidence to date, this variant is likely to be pathogenic.